The following is an entry in ClinVar:

NM_207111.4(RNF216):c.672C>G (p.Ile224Met)

Gene: RNF216 (ring finger protein 216; minus strand). Cytogenetic location: 7p22.1.
Variant type: single nucleotide variant.
Coding change: c.672C>G on transcript NM_207111.4 (MANE Select); coding-DNA position 672, C replaced by G.
Protein change: p.Ile224Met; replaces isoleucine 224 with methionine.
Molecular consequence: missense variant.
Genome position (GRCh38, 1-based): chr7:5,741,345, G>C on the plus strand (C>G on the coding strand, the complement: RNF216 is on the minus strand). VCF-style: chr7-5741345-G-C. GRCh37 (hg19) VCF-style: chr7-5780976-G-C.
Other names: c.501C>G, p.Ile167Met (NM_001377156.1, NM_207116.3); short protein forms I167M, I224M.
Identifiers: ClinVar variation 4281399 (VCV004281399.7).
Genomic context (GRCh38, chr7:5,741,345, plus strand): 5'-TTCACGGGGCTGTTGGTTCAGAGACTGGAAGTAAGGATGATCTAACCAGCAGTCTTCTTC[G>C]ATGGCCTGATCATCTGCTAGAGCAGCTGACTCTCCTAGATTTGATAACAGCTCTGTCTCT-3'
Protein context (NP_996994.1, residues 214-234): ESAALADDQA[Ile224Met]EEDCWLDHPY

ClinVar aggregate classification (germline): Uncertain significance (1 of 4 stars; one submission).

gnomAD v4.1: 1 of 1,614,102 alleles (0.000062%); highest among the groups gnomAD compares: Non-Finnish European, 0.000085%; no homozygotes.

Submission:

CeGaT Center for Human Genetics Tuebingen
Classification: Uncertain significance. Last evaluated: 2025-11-01. Review status: criteria provided, single submitter. Criteria: CeGaT Center For Human Genetics Tuebingen Variant Classification Criteria Version 2. Collection method: clinical testing. Allele origin: germline. Affected: yes. Observed: 1 variant allele.
Comment: RNF216: PM2, BP4